The following is an entry in ClinVar:

ClinVar aggregate classification (germline): Likely benign. Review status: criteria provided, single submitter (1 of 4 stars). 2 submissions from 2 submitters: Likely benign (1). 1 of the submissions does not count toward it. Last evaluated 2024-07-30.

Conditions:
GP1BA-related disorder. Also called: GP1BA-related condition.

Allele frequency attached by ClinVar (database versions not stated): ExAC 0.00003; gnomAD 0.00007; ESP Exome Variant Server 0.00008; TOPMed 0.00008.
gnomAD v4.1: 50 of 1,613,874 alleles (0.0031%); highest among the groups gnomAD compares: Admixed American, 0.018%; no homozygotes.

Submissions (2):

Blueprint Genetics
Classification: Likely benign. Last evaluated: 2024-07-30. Review status: criteria provided, single submitter. Criteria: ACMG Guidelines, 2015. Collection method: clinical testing. Allele origin: germline.

PreventionGenetics, part of Exact Sciences
Classification: Likely benign for GP1BA-related condition. Last evaluated: 2019-04-30. Review status: no assertion criteria provided. Collection method: clinical testing. Allele origin: germline. Not counted in ClinVar's aggregate classification.
Comment: This variant is classified as likely benign based on ACMG/AMP sequence variant interpretation guidelines (Richards et al. 2015 PMID: 25741868, with internal and published modifications).

NM_000173.7(GP1BA):c.570C>T (p.Leu190=)

Gene: GP1BA (glycoprotein Ib platelet subunit alpha; plus strand). Cytogenetic location: 17p13.2.
Variant type: single nucleotide variant.
Coding change: c.570C>T on transcript NM_000173.7 (MANE Select); coding-DNA position 570, C replaced by T.
Protein change: p.Leu190=; no amino-acid change (leucine 190 retained).
Molecular consequence: synonymous variant.
Genome position (GRCh38, 1-based): chr17:4,933,174, C>T. VCF-style: chr17-4933174-C-T. GRCh37 (hg19) VCF-style: chr17-4836469-C-T.
Identifiers: ClinVar variation 3056117 (VCV003056117.3), dbSNP rs373961465, ClinGen allele CA8314796.